The following is an entry in ClinVar:

NM_003072.5(SMARCA4):c.4338G>T (p.Pro1446=)

Gene: SMARCA4 (SWI/SNF related BAF chromatin remodeling complex subunit ATPase 4; plus strand). Cytogenetic location: 19p13.2.
Variant type: single nucleotide variant.
Coding change: c.4338G>T on transcript NM_003072.5 (MANE Select); coding-DNA position 4338, G replaced by T.
Protein change: p.Pro1446=; no amino-acid change (proline 1446 retained).
Molecular consequence: synonymous variant. On other transcripts: non-coding transcript variant (1).
Genome position (GRCh38, 1-based): chr19:11,041,474, G>T. VCF-style: chr19-11041474-G-T. GRCh37 (hg19) VCF-style: chr19-11152150-G-T.
Other names: c.4338G>T, p.Pro1446= (NM_001128844.3); c.4248G>T, p.Pro1416= (NM_001128845.2, NM_001128846.2); c.4239G>T, p.Pro1413= (NM_001128847.4, NM_001128848.2, NM_001374457.1); c.4434G>T, p.Pro1478= (NM_001128849.3, NM_001387283.1).
Identifiers: ClinVar variation 480650 (VCV000480650.15), dbSNP rs768651929, ClinGen allele CA505743916.

ClinVar aggregate classification (germline): Likely benign. Review status: criteria provided, multiple submitters, no conflicts (2 of 4 stars). 3 submissions from 3 submitters: Likely benign (3). Last evaluated 2025-08-01.

Conditions:
Rhabdoid tumor predisposition syndrome 2 (RTPS2). Identifiers: Orphanet 231108, Orphanet 69077, MedGen C2750074, MONDO:0013224, OMIM 613325.
Hereditary cancer-predisposing syndrome. Also called: Hereditary neoplastic syndrome; Tumor predisposition; Neoplastic Syndromes, Hereditary; Hereditary Cancer Syndrome. Identifiers: Orphanet 140162, MedGen C0027672, MeSH D009386, MONDO:0015356.

Submissions (3):

CeGaT Center for Human Genetics Tuebingen
Classification: Likely benign. Last evaluated: 2025-08-01. Review status: criteria provided, single submitter. Criteria: CeGaT Center For Human Genetics Tuebingen Variant Classification Criteria Version 2. Collection method: clinical testing. Allele origin: germline. Affected: yes. Observed: 1 variant allele.
Comment: SMARCA4: PM2:Supporting, BP4, BP7

Labcorp Genetics (formerly Invitae), Labcorp
Classification: Likely benign for Rhabdoid tumor predisposition syndrome 2. Last evaluated: 2024-06-11. Review status: criteria provided, single submitter. Criteria: Invitae Variant Classification Sherloc (09022015). Collection method: clinical testing. Allele origin: germline.

Ambry Genetics
Classification: Likely benign for Hereditary cancer-predisposing syndrome. Last evaluated: 2016-09-06. Review status: criteria provided, single submitter. Criteria: Ambry Variant Classification Scheme 2023. Collection method: clinical testing. Allele origin: germline.